The following is an entry in ClinVar:

ClinVar aggregate classification (germline): Uncertain significance (1 of 4 stars; one submission).

Conditions:
Familial acute necrotizing encephalopathy (IIAE3). Also called: ENCEPHALOPATHY, ACUTE, INFECTION-INDUCED, SUSCEPTIBILITY TO, 3; Susceptibility to Acute Necrotizing Encephalopathy 1. Identifiers: Orphanet 88619, MedGen C2675556, MONDO:0011953, OMIM 608033.

Allele frequency attached by ClinVar (database versions not stated): gnomAD 0.00001.
gnomAD v4.1: 1 of 1,613,850 alleles (0.000062%); highest among the groups gnomAD compares: South Asian, 0.0011%; no homozygotes.

Submission:

Labcorp Genetics (formerly Invitae), Labcorp
Classification: Uncertain significance for Familial acute necrotizing encephalopathy. Last evaluated: 2020-10-14. Review status: criteria provided, single submitter. Criteria: Invitae Variant Classification Sherloc (09022015). Collection method: clinical testing. Allele origin: germline.
Comment: Algorithms developed to predict the effect of missense changes on protein structure and function are either unavailable or do not agree on the potential impact of this missense change (SIFT: "Deleterious"; PolyPhen-2: "Benign"; Align-GVGD: "Class C65"). In summary, the available evidence is currently insufficient to determine the role of this variant in disease. Therefore, it has been classified as a Variant of Uncertain Significance. This variant has not been reported in the literature in individuals with RANBP2-related conditions. This variant is not present in population databases (ExAC no frequency). This sequence change replaces glycine with valine at codon 958 of the RANBP2 protein (p.Gly958Val). The glycine residue is highly conserved and there is a moderate physicochemical difference between glycine and valine.

NM_006267.5(RANBP2):c.2873G>T (p.Gly958Val)

Gene: RANBP2 (RAN binding protein 2; plus strand). Cytogenetic location: 2q13.
Variant type: single nucleotide variant.
Coding change: c.2873G>T on transcript NM_006267.5 (MANE Select); coding-DNA position 2873, G replaced by T.
Protein change: p.Gly958Val; replaces glycine 958 with valine.
Molecular consequence: missense variant.
Genome position (GRCh38, 1-based): chr2:108,763,412, G>T. VCF-style: chr2-108763412-G-T. GRCh37 (hg19) VCF-style: chr2-109379868-G-T.
Other names: short protein forms G958V.
Identifiers: ClinVar variation 1010833 (VCV001010833.9), dbSNP rs1676882455, ClinGen allele CA348059927.
Genomic context (GRCh38, chr2:108,763,412, plus strand): 5'-TGTATGGTCCTCCTGCATTGCGTTTTGAGTCTCCTGCAACGGGAATTCTATCGCCCAGGG[G>T]TGATGATTACTTTAATTACAATGTTCAACAGACAAGCACAAATCCACCTTTGCCAGAACC-3'
Protein context (NP_006258.3, residues 948-968): SPATGILSPR[Gly958Val]DDYFNYNVQQ